The following is an entry in ClinVar:

NM_004373.3(COX6A1):c.-48G>A

Gene: COX6A1 (cytochrome c oxidase subunit 6A1; plus strand). Cytogenetic location: 12q24.31.
Variant type: single nucleotide variant.
Coding change: c.-48G>A on transcript NM_004373.3; 48 bases upstream of the start codon, G replaced by A.
Genome position (GRCh38, 1-based): chr12:120,438,079, G>A. VCF-style: chr12-120438079-G-A. GRCh37 (hg19) VCF-style: chr12-120875882-G-A.
Identifiers: ClinVar variation 676665 (VCV000676665.4), dbSNP rs144679779, ClinGen allele CA6827919.

ClinVar aggregate classification (germline): Likely benign. Review status: criteria provided, multiple submitters, no conflicts (2 of 4 stars). 2 submissions from 2 submitters: Likely benign (2). Last evaluated 2018-05-01.

Allele frequency attached by ClinVar (database versions not stated): 1000 Genomes Project 30x 0.00219; gnomAD exomes 0.00318 and 0.00321; ESP Exome Variant Server 0.00316; ExAC 0.00333; 1000 Genomes Project 0.00220; gnomAD 0.00330 and 0.00333; TOPMed 0.00368.

Submissions (2):

GeneDx
Classification: Likely benign. Last evaluated: 2018-05-01. Review status: criteria provided, single submitter. Criteria: GeneDx Variant Classification (06012015). Collection method: clinical testing. Allele origin: germline. Affected: yes.
Comment: This variant is considered likely benign or benign based on one or more of the following criteria: it is a conservative change, it occurs at a poorly conserved position in the protein, it is predicted to be benign by multiple in silico algorithms, and/or has population frequency not consistent with disease.

Breakthrough Genomics
Classification: Likely benign. Review status: criteria provided, single submitter. Criteria: ACMG Guidelines, 2015. Collection method: not provided. Allele origin: germline. Inheritance: Autosomal recessive inheritance. Affected: yes.